The following is an entry in ClinVar:

ClinVar aggregate classification (germline): Pathogenic (1 of 4 stars; one submission).

Conditions:
Glycine encephalopathy 2 (GCE2). Identifiers: MedGen C5830559, MONDO:0958192, OMIM 620398.

Submission:

Myriad Genetics, Inc.
Classification: Pathogenic for Glycine encephalopathy 2. Last evaluated: 2025-12-30. Review status: criteria provided, single submitter. Criteria: Myriad Autosomal Dominant, Autosomal Recessive and X-Linked Classification Criteria (2023). Collection method: clinical testing. Allele origin: unknown.
Comment: NM_000481.3(AMT):c.572delT(L191Hfs*9) is a frameshift variant classified as pathogenic in the context of glycine encephalopathy, AMT-related. L191Hfs*9 has not been observed in cases with relevant disease. Relevant functional assessments of this variant are not available in the literature. L191Hfs*9 has not been observed in referenced population frequency databases. In summary, NM_000481.3(AMT):c.572delT(L191Hfs*9) is a frameshift variant in a gene where loss of function is a known mechanism of disease and is predicted to disrupt protein function. Please note: this variant was assessed in the context of healthy population screening.

NM_000481.4(AMT):c.572del (p.Leu191fs)

Gene: AMT (aminomethyltransferase; minus strand). Cytogenetic location: 3p21.31.
Variant type: Deletion.
Coding change: c.572del on transcript NM_000481.4 (MANE Select); coding-DNA position 572, one base deleted (T; older notation c.572delT).
Protein change: p.Leu191fs; shifts the reading frame from leucine 191.
Molecular consequence: frameshift variant. On other transcripts: non-coding transcript variant (1).
Genome position (GRCh38, 1-based): chr3:49,419,384, A deleted on the plus strand (T on the coding strand, the reverse complement: AMT is on the minus strand). VCF-style (leftmost placement, unchanged base first): chr3-49419383-TA-T. GRCh37 (hg19) VCF-style: chr3-49456816-TA-T.
Other names: c.440del, p.Leu147fs (NM_001164710.2); c.404del, p.Leu135fs (NM_001164711.2); c.572del, p.Leu191fs (NM_001164712.2); short protein forms L191fs, L147fs, L135fs.
Identifiers: ClinVar variation 5004356 (VCV005004356.1).